The following is an entry in ClinVar:

NM_001113378.2(FANCI):c.8A>G (p.Gln3Arg)

Gene: FANCI (FA complementation group I; plus strand). Cytogenetic location: 15q26.1.
Variant type: single nucleotide variant.
Coding change: c.8A>G on transcript NM_001113378.2 (MANE Select); coding-DNA position 8, A replaced by G.
Protein change: p.Gln3Arg; replaces glutamine 3 with arginine.
Molecular consequence: missense variant. On other transcripts: 5 prime UTR variant (1).
Genome position (GRCh38, 1-based): chr15:89,247,655, A>G. VCF-style: chr15-89247655-A-G. GRCh37 (hg19) VCF-style: chr15-89790886-A-G.
Other names: c.-267A>G (NM_001376910.1); c.8A>G, p.Gln3Arg (NM_001376911.1, NM_018193.3); short protein forms Q3R.
Identifiers: ClinVar variation 1969461 (VCV001969461.4), dbSNP rs374932314, ClinGen allele CA7722461.

ClinVar aggregate classification (germline): Uncertain significance. Review status: criteria provided, multiple submitters, no conflicts (2 of 4 stars). 2 submissions from 2 submitters: Uncertain significance (2). Last evaluated 2025-03-08.

Conditions:
Inborn genetic diseases. Identifiers: MedGen C0950123, MeSH D030342.
Fanconi anemia (FA). Also called: Fanconi's anemia. Identifiers: Orphanet 84, MedGen C0015625, MeSH D005199, MONDO:0019391.

Allele frequency attached by ClinVar (database versions not stated): TOPMed below 0.00001; ExAC 0.00001; gnomAD 0.00001; ESP Exome Variant Server 0.00008.
gnomAD v4.1: 2 of 1,613,894 alleles (0.00012%); highest among the groups gnomAD compares: African/African-American, 0.0027%; no homozygotes.

Submissions (2):

Ambry Genetics
Classification: Uncertain significance for Inborn genetic diseases. Last evaluated: 2025-03-08. Review status: criteria provided, single submitter. Criteria: Ambry Variant Classification Scheme 2023. Collection method: clinical testing. Allele origin: germline.

Labcorp Genetics (formerly Invitae), Labcorp
Classification: Uncertain significance for Fanconi anemia. Last evaluated: 2022-03-11. Review status: criteria provided, single submitter. Criteria: Invitae Variant Classification Sherloc (09022015). Collection method: clinical testing. Allele origin: germline.
Comment: In summary, the available evidence is currently insufficient to determine the role of this variant in disease. Therefore, it has been classified as a Variant of Uncertain Significance. Algorithms developed to predict the effect of missense changes on protein structure and function (SIFT, PolyPhen-2, Align-GVGD) all suggest that this variant is likely to be tolerated. This variant has not been reported in the literature in individuals affected with FANCI-related conditions. This variant is present in population databases (rs374932314, gnomAD 0.008%). This sequence change replaces glutamine, which is neutral and polar, with arginine, which is basic and polar, at codon 3 of the FANCI protein (p.Gln3Arg).